The following is an entry in ClinVar:

ClinVar aggregate classification (germline): Uncertain significance (1 of 4 stars; one submission).

gnomAD v4.1: 1 of 1,547,334 alleles (0.000065%); highest among the groups gnomAD compares: Admixed American, 0.0023%; no homozygotes.

Submission:

Labcorp Genetics (formerly Invitae), Labcorp
Classification: Uncertain significance. Last evaluated: 2022-08-09. Review status: criteria provided, single submitter. Criteria: Invitae Variant Classification Sherloc (09022015). Collection method: clinical testing. Allele origin: germline.
Comment: ClinVar contains an entry for this variant (Variation ID: 1492481). In summary, the available evidence is currently insufficient to determine the role of this variant in disease. Therefore, it has been classified as a Variant of Uncertain Significance. Algorithms developed to predict the effect of sequence changes on RNA splicing suggest that this variant may disrupt the consensus splice site. This variant has not been reported in the literature in individuals affected with PRDX1-related conditions. This variant is present in population databases (rs757405965, gnomAD 0.005%). This sequence change falls in intron 2 of the PRDX1 gene. It does not directly change the encoded amino acid sequence of the PRDX1 protein.

NM_181697.3(PRDX1):c.107-10T>A

Gene: PRDX1 (peroxiredoxin 1; minus strand). Cytogenetic location: 1p34.1.
Variant type: single nucleotide variant.
Coding change: c.107-10T>A on transcript NM_181697.3 (MANE Select); 10 bases into the intron before coding-DNA position 107, T replaced by A.
Molecular consequence: intron variant.
Genome position (GRCh38, 1-based): chr1:45,515,817, A>T on the plus strand (T>A on the coding strand, the complement: PRDX1 is on the minus strand). VCF-style: chr1-45515817-A-T. GRCh37 (hg19) VCF-style: chr1-45981489-A-T.
Other names: c.107-10T>A (NM_001202431.2, NM_181696.3, NM_002574.4).
Identifiers: ClinVar variation 1492481 (VCV001492481.6), dbSNP rs757405965, ClinGen allele CA828071.